The following is an entry in ClinVar:

NM_001042492.3(NF1):c.5680G>C (p.Glu1894Gln)

Gene: NF1 (neurofibromin 1; plus strand). Cytogenetic location: 17q11.2.
Variant type: single nucleotide variant.
Coding change: c.5680G>C on transcript NM_001042492.3 (MANE Select); coding-DNA position 5680, G replaced by C.
Protein change: p.Glu1894Gln; replaces glutamic acid 1894 with glutamine.
Molecular consequence: missense variant.
Genome position (GRCh38, 1-based): chr17:31,330,366, G>C. VCF-style: chr17-31330366-G-C. GRCh37 (hg19) VCF-style: chr17-29657384-G-C.
Other names: c.5617G>C, p.Glu1873Gln (NM_000267.4); short protein forms E1873Q, E1894Q.
Identifiers: ClinVar variation 457759 (VCV000457759.5), dbSNP rs774893767, ClinGen allele CA8487215.

ClinVar aggregate classification (germline): Uncertain significance (1 of 4 stars; one submission).

Conditions:
Neurofibromatosis, type 1 (NF1). Also called: VON RECKLINGHAUSEN DISEASE; NEUROFIBROMATOSIS, TYPE I, SOMATIC; Peripheral type neurofibromatosis; Neurofibromatosis, type I. Identifiers: Orphanet 636, MedGen C0027831, MONDO:0018975, OMIM 162200. Disease mechanism: loss of function.

Allele frequency attached by ClinVar (database versions not stated): gnomAD exomes below 0.00001 and 0.00002; ExAC 0.00001.
gnomAD v4.1: 4 of 1,614,000 alleles (0.00025%); highest among the groups gnomAD compares: South Asian, 0.0044%; no homozygotes.

Submission:

Labcorp Genetics (formerly Invitae), Labcorp
Classification: Uncertain significance for Neurofibromatosis, type 1. Last evaluated: 2025-01-11. Review status: criteria provided, single submitter. Criteria: Invitae Variant Classification Sherloc (09022015). Collection method: clinical testing. Allele origin: germline.
Comment: This sequence change replaces glutamic acid, which is acidic and polar, with glutamine, which is neutral and polar, at codon 1873 of the NF1 protein (p.Glu1873Gln). This variant is present in population databases (rs774893767, gnomAD 0.01%). This variant has not been reported in the literature in individuals affected with NF1-related conditions. ClinVar contains an entry for this variant (Variation ID: 457759). Invitae Evidence Modeling of protein sequence and biophysical properties (such as structural, functional, and spatial information, amino acid conservation, physicochemical variation, residue mobility, and thermodynamic stability) indicates that this missense variant is expected to disrupt NF1 protein function with a positive predictive value of 95%. In summary, the available evidence is currently insufficient to determine the role of this variant in disease. Therefore, it has been classified as a Variant of Uncertain Significance.